The following is an entry in ClinVar:

NM_053025.4(MYLK):c.3856G>A (p.Val1286Met)

Gene: MYLK (myosin light chain kinase; minus strand). Cytogenetic location: 3q21.1.
Variant type: single nucleotide variant.
Coding change: c.3856G>A on transcript NM_053025.4 (MANE Select); coding-DNA position 3856, G replaced by A.
Protein change: p.Val1286Met; replaces valine 1286 with methionine.
Molecular consequence: missense variant.
Genome position (GRCh38, 1-based): chr3:123,664,234, C>T on the plus strand (G>A on the coding strand, the complement: MYLK is on the minus strand). VCF-style: chr3-123664234-C-T. GRCh37 (hg19) VCF-style: chr3-123383081-C-T.
Other names: c.3328G>A, p.Val1110Met (NM_001321309.2); c.3649G>A, p.Val1217Met (NM_053026.4, NM_053028.4); c.3856G>A, p.Val1286Met (NM_053027.4); short protein forms V1286M, V1110M, V1217M.
Identifiers: ClinVar variation 539067 (VCV000539067.10), dbSNP rs766866941, ClinGen allele CA070360.

ClinVar aggregate classification (germline): Uncertain significance (1 of 4 stars; one submission).

Conditions:
Aortic aneurysm, familial thoracic 7 (AAT7). Also called: AORTIC DISSECTION, FAMILIAL, WITH OR WITHOUT AORTIC ANEURYSM. Identifiers: MedGen C3151077, MONDO:0013418, OMIM 613780.

Allele frequency attached by ClinVar (database versions not stated): gnomAD exomes below 0.00001 and 0.00001; gnomAD 0.00001; TOPMed 0.00001; ExAC 0.00002.
gnomAD v4.1: 4 of 1,614,080 alleles (0.00025%); highest among the groups gnomAD compares: African/African-American, 0.0027%; no homozygotes.

Submission:

Labcorp Genetics (formerly Invitae), Labcorp
Classification: Uncertain significance for Aortic aneurysm, familial thoracic 7. Last evaluated: 2024-10-22. Review status: criteria provided, single submitter. Criteria: Invitae Variant Classification Sherloc (09022015). Collection method: clinical testing. Allele origin: germline.
Comment: This sequence change replaces valine, which is neutral and non-polar, with methionine, which is neutral and non-polar, at codon 1286 of the MYLK protein (p.Val1286Met). This variant is present in population databases (rs766866941, gnomAD 0.007%). This variant has not been reported in the literature in individuals affected with MYLK-related conditions. ClinVar contains an entry for this variant (Variation ID: 539067). Invitae Evidence Modeling of protein sequence and biophysical properties (such as structural, functional, and spatial information, amino acid conservation, physicochemical variation, residue mobility, and thermodynamic stability) indicates that this missense variant is not expected to disrupt MYLK protein function with a negative predictive value of 80%. In summary, the available evidence is currently insufficient to determine the role of this variant in disease. Therefore, it has been classified as a Variant of Uncertain Significance.